The following is an entry in ClinVar:

NM_005618.4(DLL1):c.1998G>T (p.Gln666His)

Genes: DLL1 (delta like canonical Notch ligand 1; minus strand), LOC126859913 (P300/CBP strongly-dependent group 1 enhancer GRCh37_chr6:170591232-170592431; plus strand). Cytogenetic location: 6q27.
Variant type: single nucleotide variant.
Coding change: c.1998G>T on transcript NM_005618.4 (MANE Select); coding-DNA position 1998, G replaced by T.
Protein change: p.Gln666His; replaces glutamine 666 with histidine.
Molecular consequence: missense variant.
Genome position (GRCh38, 1-based): chr6:170,283,281, C>A on the plus strand (G>T on the coding strand, the complement: DLL1 is on the minus strand). VCF-style: chr6-170283281-C-A. GRCh37 (hg19) VCF-style: chr6-170592369-C-A.
Other names: c.1998G>T (NM_005618.3); short protein forms Q666H.
Identifiers: ClinVar variation 2840257 (VCV002840257.4), dbSNP rs1281454745, ClinGen allele CA366506105.

ClinVar aggregate classification (germline): Uncertain significance. Review status: criteria provided, multiple submitters, no conflicts (2 of 4 stars). 2 submissions from 2 submitters: Uncertain significance (2). Last evaluated 2025-04-01.

Conditions:
Inborn genetic diseases. Identifiers: MedGen C0950123, MeSH D030342.

Allele frequency attached by ClinVar (database versions not stated): gnomAD 0.00001; gnomAD exomes 0.00001; TOPMed 0.00001.
gnomAD v4.1: 8 of 1,613,028 alleles (0.0005%); highest among the groups gnomAD compares: Non-Finnish European, 0.00068%; no homozygotes.

Submissions (2):

Ambry Genetics
Classification: Uncertain significance for Inborn genetic diseases. Last evaluated: 2025-04-01. Review status: criteria provided, single submitter. Criteria: Ambry Variant Classification Scheme 2023. Collection method: clinical testing. Allele origin: germline.

Labcorp Genetics (formerly Invitae), Labcorp
Classification: Uncertain significance. Last evaluated: 2023-11-03. Review status: criteria provided, single submitter. Criteria: Invitae Variant Classification Sherloc (09022015). Collection method: clinical testing. Allele origin: germline.
Comment: This sequence change replaces glutamine, which is neutral and polar, with histidine, which is basic and polar, at codon 666 of the DLL1 protein (p.Gln666His). This variant is not present in population databases (gnomAD no frequency). This variant has not been reported in the literature in individuals affected with DLL1-related conditions. An algorithm developed to predict the effect of missense changes on protein structure and function (PolyPhen-2) suggests that this variant is likely to be tolerated. In summary, the available evidence is currently insufficient to determine the role of this variant in disease. Therefore, it has been classified as a Variant of Uncertain Significance.